The following is an entry in ClinVar:

ClinVar aggregate classification (germline): Uncertain significance (1 of 4 stars; one submission).

Conditions:
Dilated cardiomyopathy 1KK (CMD1KK). Identifiers: Orphanet 154, Orphanet 75249, MedGen C3714995, MONDO:0014100, OMIM 615248.

Allele frequency attached by ClinVar (database versions not stated): gnomAD exomes below 0.00001; ExAC 0.00001.
gnomAD v4.1: 1 of 1,613,446 alleles (0.000062%); highest among the groups gnomAD compares: Admixed American, 0.0017%; no homozygotes.

Submission:

Labcorp Genetics (formerly Invitae), Labcorp
Classification: Uncertain significance for Dilated cardiomyopathy 1KK. Last evaluated: 2024-04-25. Review status: criteria provided, single submitter. Criteria: Invitae Variant Classification Sherloc (09022015). Collection method: clinical testing. Allele origin: germline.
Comment: This sequence change replaces serine, which is neutral and polar, with alanine, which is neutral and non-polar, at codon 363 of the MYPN protein (p.Ser363Ala). This variant is present in population databases (rs775098267, gnomAD 0.003%). This variant has not been reported in the literature in individuals affected with MYPN-related conditions. ClinVar contains an entry for this variant (Variation ID: 1001525). An algorithm developed to predict the effect of missense changes on protein structure and function (PolyPhen-2) suggests that this variant is likely to be disruptive. In summary, the available evidence is currently insufficient to determine the role of this variant in disease. Therefore, it has been classified as a Variant of Uncertain Significance.

NM_032578.4(MYPN):c.1087T>G (p.Ser363Ala)

Gene: MYPN (myopalladin; plus strand). Cytogenetic location: 10q21.3.
Variant type: single nucleotide variant.
Coding change: c.1087T>G on transcript NM_032578.4 (MANE Select); coding-DNA position 1087, T replaced by G.
Protein change: p.Ser363Ala; replaces serine 363 with alanine.
Molecular consequence: missense variant. On other transcripts: non-coding transcript variant (2).
Genome position (GRCh38, 1-based): chr10:68,145,483, T>G. VCF-style: chr10-68145483-T-G. GRCh37 (hg19) VCF-style: chr10-69905240-T-G.
Other names: c.1087T>G, p.Ser363Ala (NM_001256267.2); c.205T>G, p.Ser69Ala (NM_001256268.2); short protein forms S363A, S69A.
Identifiers: ClinVar variation 1001525 (VCV001001525.8), dbSNP rs775098267, ClinGen allele CA5522431.